The following is an entry in ClinVar:

ClinVar aggregate classification (germline): Conflicting classifications of pathogenicity. Review status: criteria provided, conflicting classifications (1 of 4 stars). 2 submissions from 2 submitters: Uncertain significance (1); Likely benign (1). Last evaluated 2026-08-05.

Conditions:
FREM2-related disorder. Also called: FREM2-related condition.

Allele frequency attached by ClinVar (database versions not stated): ExAC 0.00004; TOPMed 0.00012; gnomAD 0.00013.
gnomAD v4.1: 320 of 1,614,004 alleles (0.02%); highest among the groups gnomAD compares: Non-Finnish European, 0.026%; no homozygotes.

Submissions (2):

PreventionGenetics, part of Exact Sciences
Classification: Uncertain significance for FREM2-related condition. Last evaluated: 2026-08-05. Review status: criteria provided, single submitter. Criteria: ACMG Guidelines, 2015. Collection method: clinical testing. Allele origin: germline.
Comment: The FREM2 c.3677C>G variant is predicted to result in the amino acid substitution p.Thr1226Ser. To our knowledge, this variant has not been reported in the literature. This variant is reported in 0.016% of alleles in individuals of European (Non-Finnish) descent in gnomAD. At this time, the clinical significance of this variant is uncertain due to the absence of conclusive functional and genetic evidence.

CeGaT Center for Human Genetics Tuebingen
Classification: Likely benign. Last evaluated: 2022-12-01. Review status: criteria provided, single submitter. Criteria: CeGaT Center For Human Genetics Tuebingen Variant Classification Criteria Version 2. Collection method: clinical testing. Allele origin: germline. Affected: yes. Observed: 1 variant allele.
Comment: FREM2: BP4

NM_207361.6(FREM2):c.3677C>G (p.Thr1226Ser)

Gene: FREM2 (FRAS1 related extracellular matrix 2; plus strand). Cytogenetic location: 13q13.3.
Variant type: single nucleotide variant.
Coding change: c.3677C>G on transcript NM_207361.6 (MANE Select); coding-DNA position 3677, C replaced by G.
Protein change: p.Thr1226Ser; replaces threonine 1226 with serine.
Molecular consequence: missense variant.
Genome position (GRCh38, 1-based): chr13:38,691,021, C>G. VCF-style: chr13-38691021-C-G. GRCh37 (hg19) VCF-style: chr13-39265158-C-G.
Other names: c.3677C>G (NM_207361.5); short protein forms T1226S.
Identifiers: ClinVar variation 2643773 (VCV002643773.25), dbSNP rs199937826, ClinGen allele CA6954833.
Genomic context (GRCh38, chr13:38,691,021, plus strand): 5'-TGGTAATTGATACACCCATTCTCAATGCTGCTGATGCTGATGTTCCCCTGGATGATTTAA[C>G]TTTCACTATTACCCAATTCCCCACTCATGGTCACATCATGAATCAGCTGATAAATGGCAC-3'
Protein context (NP_997244.4, residues 1216-1236): ADADVPLDDL[Thr1226Ser]FTITQFPTHG